The following is an entry in ClinVar:

ClinVar aggregate classification (germline): Uncertain significance (1 of 4 stars; one submission).

Conditions:
Fanconi-Bickel syndrome (FBS). Also called: PSEUDO-PHLORIZIN DIABETES; FANCONI SYNDROME WITH INTESTINAL MALABSORPTION AND GALACTOSE INTOLERANCE; HEPATIC GLYCOGENOSIS WITH AMINO ACIDURIA AND GLUCOSURIA; HEPATIC GLYCOGENOSIS WITH FANCONI NEPHROPATHY; HEPATORENAL GLYCOGENOSIS WITH RENAL FANCONI SYNDROME; Glycogen storage disease due to GLUT2 deficiency. Identifiers: Orphanet 2088, MedGen C3495427, MONDO:0009216, OMIM 227810.

Allele frequency attached by ClinVar (database versions not stated): ExAC 0.00001.
gnomAD v4.1: 2 of 1,606,216 alleles (0.00012%); highest among the groups gnomAD compares: Admixed American, 0.0033%; no homozygotes.

Submission:

Labcorp Genetics (formerly Invitae), Labcorp
Classification: Uncertain significance for Fanconi-Bickel syndrome. Last evaluated: 2022-03-06. Review status: criteria provided, single submitter. Criteria: Invitae Variant Classification Sherloc (09022015). Collection method: clinical testing. Allele origin: germline.
Comment: This sequence change replaces proline, which is neutral and non-polar, with threonine, which is neutral and polar, at codon 34 of the SLC2A2 protein (p.Pro34Thr). This variant is present in population databases (rs746158263, gnomAD 0.009%). This variant has not been reported in the literature in individuals affected with SLC2A2-related conditions. Advanced modeling of protein sequence and biophysical properties (such as structural, functional, and spatial information, amino acid conservation, physicochemical variation, residue mobility, and thermodynamic stability) performed at Invitae indicates that this missense variant is expected to disrupt SLC2A2 protein function. In summary, the available evidence is currently insufficient to determine the role of this variant in disease. Therefore, it has been classified as a Variant of Uncertain Significance.

NM_000340.2(SLC2A2):c.100C>A (p.Pro34Thr)

Gene: SLC2A2 (solute carrier family 2 member 2; minus strand). Cytogenetic location: 3q26.2.
Variant type: single nucleotide variant.
Coding change: c.100C>A on transcript NM_000340.2 (MANE Select); coding-DNA position 100, C replaced by A.
Protein change: p.Pro34Thr; replaces proline 34 with threonine.
Molecular consequence: missense variant. On other transcripts: 5 prime UTR variant (1).
Genome position (GRCh38, 1-based): chr3:171,018,539, G>T on the plus strand (C>A on the coding strand, the complement: SLC2A2 is on the minus strand). VCF-style: chr3-171018539-G-T. GRCh37 (hg19) VCF-style: chr3-170736328-G-T.
Other names: c.-295C>A (NM_001278659.2); c.6C>A, p.His2Gln (NM_001278658.2); short protein forms H2Q, P34T.
Identifiers: ClinVar variation 2179819 (VCV002179819.4), dbSNP rs746158263, ClinGen allele CA2702769.